The following is an entry in ClinVar:

NM_001100913.3(PACS2):c.260A>C (p.Gln87Pro)

Gene: PACS2 (phosphofurin acidic cluster sorting protein 2; plus strand). Cytogenetic location: 14q32.33.
Variant type: single nucleotide variant.
Coding change: c.260A>C on transcript NM_001100913.3 (MANE Select); coding-DNA position 260, A replaced by C.
Protein change: p.Gln87Pro; replaces glutamine 87 with proline.
Molecular consequence: missense variant.
Genome position (GRCh38, 1-based): chr14:105,352,430, A>C. VCF-style: chr14-105352430-A-C. GRCh37 (hg19) VCF-style: chr14-105818767-A-C.
Other names: c.59A>C, p.Gln20Pro (NM_001243127.3); c.260A>C, p.Gln87Pro (NM_015197.4); short protein forms Q87P, Q20P.
Identifiers: ClinVar variation 1356505 (VCV001356505.8), dbSNP rs2141027389, ClinGen allele CA391199634.

ClinVar aggregate classification (germline): Uncertain significance (1 of 4 stars; one submission).

Submission:

Labcorp Genetics (formerly Invitae), Labcorp
Classification: Uncertain significance. Last evaluated: 2022-10-27. Review status: criteria provided, single submitter. Criteria: Invitae Variant Classification Sherloc (09022015). Collection method: clinical testing. Allele origin: germline.
Comment: This variant has not been reported in the literature in individuals affected with PACS2-related conditions. ClinVar contains an entry for this variant (Variation ID: 1356505). This variant is not present in population databases (gnomAD no frequency). Algorithms developed to predict the effect of missense changes on protein structure and function (SIFT, PolyPhen-2, Align-GVGD) all suggest that this variant is likely to be tolerated. In summary, the available evidence is currently insufficient to determine the role of this variant in disease. Therefore, it has been classified as a Variant of Uncertain Significance. This sequence change replaces glutamine, which is neutral and polar, with proline, which is neutral and non-polar, at codon 87 of the PACS2 protein (p.Gln87Pro).